The following is an entry in ClinVar:

ClinVar aggregate classification (germline): Likely pathogenic (1 of 4 stars; one submission).

Conditions:
CTC1-related disorder. Also called: CTC1-related condition.

Submission:

PreventionGenetics, part of Exact Sciences
Classification: Likely pathogenic for CTC1-related condition. Last evaluated: 2025-02-27. Review status: criteria provided, single submitter. Criteria: ACMG Guidelines, 2015. Collection method: clinical testing. Allele origin: germline.
Comment: The CTC1 c.2721_2722delAT variant is predicted to result in premature protein termination (p.Cys908*). To our knowledge, this variant has not been reported in the literature. This variant is reported in 0.0029% of alleles in individuals of Latino descent in gnomAD. Nonsense variants in CTC1 are expected to be pathogenic. This variant is interpreted as likely pathogenic.

NM_025099.6(CTC1):c.2721_2722del (p.Leu907_Cys908insTer)

Gene: CTC1 (CST telomere replication complex component 1; minus strand). Cytogenetic location: 17p13.1.
Variant type: Deletion.
Coding change: c.2721_2722del on transcript NM_025099.6 (MANE Select); coding-DNA positions 2721 to 2722, 2 bases deleted (AT; older notation c.2721_2722delAT).
Protein change: p.Leu907_Cys908insTer.
Molecular consequence: frameshift variant. On other transcripts: non-coding transcript variant (1).
Genome position (GRCh38, 1-based): chr17:8,230,599-8,230,600, AT deleted on the plus strand (AT on the coding strand, the reverse complement: CTC1 is on the minus strand); deleting any 2 consecutive bases within chr17:8,230,599-8,230,601 gives the same sequence; the c. name uses the placement nearest the transcript's 3' end. VCF-style (leftmost placement, unchanged base first): chr17-8230598-CAT-C. GRCh37 (hg19) VCF-style: chr17-8133916-CAT-C.
Other names: c.2721_2722del, p.Leu907_Cys908insTer (NM_001411067.1).
Identifiers: ClinVar variation 4998152 (VCV004998152.1).
Genomic context (GRCh38, chr17:8,230,598, plus strand): 5'-TTCCCCACAAAGGAAGGGTCATTACCCAGTTTCATCCAGAGAGACGCCACAAGGGGTTCA[CAT>C]AGTGTCCGTGACAAAATCTCAGCGGAGAAAGACACCAAGGAATCTGTGAAACTGGAAGGT-3'